The following is an entry in ClinVar:

NM_003073.5(SMARCB1):c.767A>G (p.Asp256Gly)

Gene: SMARCB1 (SWI/SNF related BAF chromatin remodeling complex subunit B1; plus strand). Cytogenetic location: 22q11.23.
Variant type: single nucleotide variant.
Coding change: c.767A>G on transcript NM_003073.5 (MANE Select); coding-DNA position 767, A replaced by G.
Protein change: p.Asp256Gly; replaces aspartic acid 256 with glycine.
Molecular consequence: missense variant.
Genome position (GRCh38, 1-based): chr22:23,816,908, A>G. VCF-style: chr22-23816908-A-G. GRCh37 (hg19) VCF-style: chr22-24159095-A-G.
Other names: c.740A>G, p.Asp247Gly (NM_001007468.3); c.794A>G, p.Asp265Gly (NM_001317946.2); c.821A>G, p.Asp274Gly (NM_001362877.2); short protein forms D247G, D256G, D265G, D274G.
Identifiers: ClinVar variation 858679 (VCV000858679.9), dbSNP rs749976156, ClinGen allele CA10146042.

ClinVar aggregate classification (germline): Uncertain significance (1 of 4 stars; one submission).

Allele frequency attached by ClinVar (database versions not stated): gnomAD exomes below 0.00001 and 0.00001; ExAC 0.00001.
gnomAD v4.1: 2 of 1,614,090 alleles (0.00012%); highest among the groups gnomAD compares: Admixed American, 0.0017%; no homozygotes.

Submission:

Labcorp Genetics (formerly Invitae), Labcorp
Classification: Uncertain significance. Last evaluated: 2022-06-04. Review status: criteria provided, single submitter. Criteria: Invitae Variant Classification Sherloc (09022015). Collection method: clinical testing. Allele origin: germline.
Comment: ClinVar contains an entry for this variant (Variation ID: 858679). This variant has not been reported in the literature in individuals affected with SMARCB1-related conditions. This variant is present in population databases (rs749976156, gnomAD 0.003%). This sequence change replaces aspartic acid, which is acidic and polar, with glycine, which is neutral and non-polar, at codon 256 of the SMARCB1 protein (p.Asp256Gly). Algorithms developed to predict the effect of missense changes on protein structure and function (SIFT, PolyPhen-2, Align-GVGD) all suggest that this variant is likely to be tolerated. In summary, the available evidence is currently insufficient to determine the role of this variant in disease. Therefore, it has been classified as a Variant of Uncertain Significance.